The following is an entry in ClinVar:

ClinVar aggregate classification (germline): Uncertain significance. Review status: criteria provided, multiple submitters, no conflicts (2 of 4 stars). 2 submissions from 2 submitters: Uncertain significance (2). Last evaluated 2025-10-11.

Conditions:
Hereditary cancer-predisposing syndrome. Also called: Hereditary Cancer Syndrome; Tumor predisposition; Neoplastic Syndromes, Hereditary; Hereditary neoplastic syndrome. Identifiers: Orphanet 140162, MedGen C0027672, MeSH D009386, MONDO:0015356.
Pheochromocytoma. Also called: MAX-Related Hereditary Paraganglioma-Pheochromocytoma Syndrome. Identifiers: Orphanet 29072, MedGen C0031511, MONDO:0008233, OMIM 171300, HP:0002666.
Pheochromocytoma/paraganglioma syndrome 4. Also called: PARAGANGLIOMA, FAMILIAL MALIGNANT; PARAGANGLIOMAS, HEREDITARY EXTRAADRENAL; PHEOCHROMOCYTOMA, FAMILIAL EXTRAADRENAL; SDHB-Related Hereditary Paraganglioma-Pheochromocytoma Syndrome (Paragangliomas 4); CAROTID BODY TUMORS AND MULTIPLE EXTRAADRENAL PHEOCHROMOCYTOMAS; SDHB-Related Hereditary Paraganglioma-Pheochromocytoma Syndrome. Identifiers: Orphanet 29072, MedGen C1861848, MONDO:0007273, OMIM 115310.
Gastrointestinal stromal tumor. Also called: Gastrointestinal stromal tumor, somatic; Gastrointestinal stroma tumor. Identifiers: Orphanet 44890, MedGen C0238198, MeSH D046152, MONDO:0011719, OMIM 606764, HP:0100723.

Allele frequency attached by ClinVar (database versions not stated): ExAC 0.00003; TOPMed 0.00004.
gnomAD v4.1: 3 of 1,613,962 alleles (0.00019%); highest among the groups gnomAD compares: East Asian, 0.0067%; no homozygotes.

Submissions (2):

Labcorp Genetics (formerly Invitae), Labcorp
Classification: Uncertain significance for Gastrointestinal stromal tumor; Pheochromocytoma/paraganglioma syndrome 4; Pheochromocytoma. Last evaluated: 2025-10-11. Review status: criteria provided, single submitter. Criteria: Invitae Variant Classification Sherloc (09022015). Collection method: clinical testing. Allele origin: germline.
Comment: This sequence change falls in intron 2 of the SDHB gene. It does not directly change the encoded amino acid sequence of the SDHB protein. It affects a nucleotide within the consensus splice site. This variant is present in population databases (rs774908929, gnomAD 0.04%). This variant has not been reported in the literature in individuals affected with SDHB-related conditions. ClinVar contains an entry for this variant (Variation ID: 644469). Variants that disrupt the consensus splice site are a relatively common cause of aberrant splicing (PMID: 17576681, 9536098). Algorithms developed to predict the effect of sequence changes on RNA splicing suggest that this variant is not likely to affect RNA splicing. In summary, the available evidence is currently insufficient to determine the role of this variant in disease. Therefore, it has been classified as a Variant of Uncertain Significance.

Ambry Genetics
Classification: Uncertain significance for Hereditary cancer-predisposing syndrome. Last evaluated: 2023-10-05. Review status: criteria provided, single submitter. Criteria: Ambry Variant Classification Scheme 2023. Collection method: clinical testing. Allele origin: germline.
Comment: The c.200+4A>G intronic variant results from an A to G substitution 4 nucleotides after coding exon 2 in the SDHB gene. This nucleotide position is well conserved in available vertebrate species. In silico splice site analysis predicts that this alteration will not have any significant effect on splicing. Since supporting evidence is limited at this time, the clinical significance of this alteration remains unclear.

Literature cited by the submitters: PubMed 17576681 (cited by Labcorp Genetics (formerly Invitae), Labcorp); PubMed 9536098 (cited by Labcorp Genetics (formerly Invitae), Labcorp).

NM_003000.3(SDHB):c.200+4A>G

Gene: SDHB (succinate dehydrogenase complex iron sulfur subunit B; minus strand). Cytogenetic location: 1p36.13.
Variant type: single nucleotide variant.
Coding change: c.200+4A>G on transcript NM_003000.3 (MANE Select); 4 bases into the intron after coding-DNA position 200, A replaced by G.
Molecular consequence: intron variant.
Genome position (GRCh38, 1-based): chr1:17,044,757, T>C on the plus strand (A>G on the coding strand, the complement: SDHB is on the minus strand). VCF-style: chr1-17044757-T-C. GRCh37 (hg19) VCF-style: chr1-17371252-T-C.
Identifiers: ClinVar variation 644469 (VCV000644469.9), dbSNP rs774908929, ClinGen allele CA089533.